The following is an entry in ClinVar:

NM_001044385.3(TMEM237):c.553+1G>A

Gene: TMEM237 (transmembrane protein 237; minus strand). Cytogenetic location: 2q33.1.
Variant type: single nucleotide variant.
Coding change: c.553+1G>A on transcript NM_001044385.3 (MANE Select); the canonical splice donor site of the intron after coding-DNA position 553, G replaced by A.
Molecular consequence: splice donor variant.
Genome position (GRCh38, 1-based): chr2:201,632,050, C>T on the plus strand (G>A on the coding strand, the complement: TMEM237 is on the minus strand). VCF-style: chr2-201632050-C-T. GRCh37 (hg19) VCF-style: chr2-202496773-C-T.
Other names: c.529+1G>A (NM_152388.4).
Identifiers: ClinVar variation 841287 (VCV000841287.11), dbSNP rs80034299, ClinGen allele CA2056462.

ClinVar aggregate classification (germline): Pathogenic/Likely pathogenic. Review status: criteria provided, multiple submitters, no conflicts (2 of 4 stars). 3 submissions from 3 submitters: Pathogenic (2); Likely pathogenic (1). Last evaluated 2023-03-07.

Conditions:
Joubert syndrome and related disorders. Identifiers: Orphanet 140874, MedGen C5679612, MONDO:0015369.
Joubert syndrome 14 (JBTS14). Identifiers: MedGen C3280766, MONDO:0013745, OMIM 614424.
TMEM237-related disorder. Also called: TMEM237-related condition.

Allele frequency attached by ClinVar (database versions not stated): ExAC 0.00002; gnomAD 0.00002 and 0.00003; TOPMed 0.00002; ESP Exome Variant Server 0.00008; 1000 Genomes Project 0.00020; 1000 Genomes Project 30x 0.00031.
gnomAD v4.1: 50 of 1,613,578 alleles (0.0031%); highest among the groups gnomAD compares: Non-Finnish European, 0.0038%; no homozygotes.

Submissions (3):

Women's Health and Genetics/Laboratory Corporation of America, LabCorp
Classification: Likely pathogenic for Joubert syndrome and related disorders. Last evaluated: 2023-03-07. Review status: criteria provided, single submitter. Criteria: LabCorp Variant Classification Summary - May 2015. Collection method: clinical testing. Allele origin: germline.
Comment: Variant summary: TMEM237 c.553+1G>A is located in a canonical splice-site and is predicted to affect mRNA splicing resulting in a significantly altered protein due to either exon skipping, shortening, or inclusion of intronic material. Several computational tools predict a significant impact on normal splicing: Four predict the variant abolishes a 5' splicing donor site. However, these predictions have yet to be confirmed by functional studies. The variant allele was found at a frequency of 2e-05 in 248720 control chromosomes. c.553+1G>A has been reported as a compound heterozygous genotype with pathogenic variant and segregating with disease in an individual and aborted fetus affected with Joubert Syndrome And Related Disorders (Cui_2021). These data indicate that the variant may be associated with disease. To our knowledge, no experimental evidence demonstrating an impact on protein function has been reported. One clinical diagnostic laboratory has submitted clinical-significance assessments for this variant to ClinVar after 2014 without evidence for independent evaluation. One laboratory classified the variant as pathogenic. Based on the evidence outlined above, the variant was classified as likely pathogenic.

Labcorp Genetics (formerly Invitae), Labcorp
Classification: Pathogenic for Joubert syndrome 14. Last evaluated: 2022-08-16. Review status: criteria provided, single submitter. Criteria: Invitae Variant Classification Sherloc (09022015). Collection method: clinical testing. Allele origin: germline.
Comment: Algorithms developed to predict the effect of sequence changes on RNA splicing suggest that this variant may disrupt the consensus splice site. For these reasons, this variant has been classified as Pathogenic. ClinVar contains an entry for this variant (Variation ID: 841287). Disruption of this splice site has been observed in individual(s) with Joubert syndrome (PMID: 26673778). This variant is present in population databases (rs80034299, gnomAD 0.007%). This sequence change affects a donor splice site in intron 7 of the TMEM237 gene. It is expected to disrupt RNA splicing. Variants that disrupt the donor or acceptor splice site typically lead to a loss of protein function (PMID: 16199547), and loss-of-function variants in TMEM237 are known to be pathogenic (PMID: 22152675).

Blueprint Genetics
Classification: Pathogenic for TMEM237-related disorders. Last evaluated: 2021-08-10. Review status: criteria provided, single submitter. Criteria: ACMG Guidelines, 2015. Collection method: clinical testing. Allele origin: germline. Affected: yes. Observed: 3 variant alleles.

Literature cited by the submitters: PubMed 34839509 (cited by Women's Health and Genetics/Laboratory Corporation of America, LabCorp); PubMed 26673778 (cited by Labcorp Genetics (formerly Invitae), Labcorp); PubMed 16199547 (cited by Labcorp Genetics (formerly Invitae), Labcorp); PubMed 22152675 (cited by Labcorp Genetics (formerly Invitae), Labcorp).